The following is an entry in ClinVar:

ClinVar aggregate classification (germline): Uncertain significance. Review status: criteria provided, multiple submitters, no conflicts (2 of 4 stars). 2 submissions from 2 submitters: Uncertain significance (2). Last evaluated 2025-12-15.

Conditions:
Microcephaly, short stature, and impaired glucose metabolism 2 (MSSGM2). Identifiers: Orphanet 391408, MedGen C4225195, MONDO:0014785, OMIM 616817.

Allele frequency attached by ClinVar (database versions not stated): gnomAD 0.00012; TOPMed 0.00011; ExAC 0.00021; gnomAD exomes 0.00013.
gnomAD v4.1: 211 of 1,614,008 alleles (0.013%); highest among the groups gnomAD compares: South Asian, 0.085%; 1 homozygote.

Submissions (2):

Labcorp Genetics (formerly Invitae), Labcorp
Classification: Uncertain significance. Last evaluated: 2025-12-15. Review status: criteria provided, single submitter. Criteria: Invitae Variant Classification Sherloc (09022015). Collection method: clinical testing. Allele origin: germline.
Comment: This sequence change replaces asparagine, which is neutral and polar, with serine, which is neutral and polar, at codon 215 of the PPP1R15B protein (p.Asn215Ser). This variant is present in population databases (rs199600980, gnomAD 0.09%), and has an allele count higher than expected for a pathogenic variant. This variant has not been reported in the literature in individuals affected with PPP1R15B-related conditions. ClinVar contains an entry for this variant (Variation ID: 2435224). Invitae Evidence Modeling of protein sequence and biophysical properties (such as structural, functional, and spatial information, amino acid conservation, physicochemical variation, residue mobility, and thermodynamic stability) indicates that this missense variant is not expected to disrupt PPP1R15B protein function with a negative predictive value of 80%. In summary, the available evidence is currently insufficient to determine the role of this variant in disease. Therefore, it has been classified as a Variant of Uncertain Significance.

Revvity Omics, Revvity
Classification: Uncertain significance for Microcephaly, short stature, and impaired glucose metabolism 2. Last evaluated: 2022-12-13. Review status: criteria provided, single submitter. Criteria: ACMG Guidelines, 2015. Collection method: clinical testing. Allele origin: germline.

NM_032833.5(PPP1R15B):c.644A>G (p.Asn215Ser)

Gene: PPP1R15B (protein phosphatase 1 regulatory subunit 15B; minus strand). Cytogenetic location: 1q32.1.
Variant type: single nucleotide variant.
Coding change: c.644A>G on transcript NM_032833.5 (MANE Select); coding-DNA position 644, A replaced by G.
Protein change: p.Asn215Ser; replaces asparagine 215 with serine.
Molecular consequence: missense variant.
Genome position (GRCh38, 1-based): chr1:204,410,768, T>C on the plus strand (A>G on the coding strand, the complement: PPP1R15B is on the minus strand). VCF-style: chr1-204410768-T-C. GRCh37 (hg19) VCF-style: chr1-204379896-T-C.
Other names: short protein forms N215S.
Identifiers: ClinVar variation 2435224 (VCV002435224.5), dbSNP rs199600980, ClinGen allele CA1346770.